The following is an entry in ClinVar:

ClinVar aggregate classification (germline): Likely benign. Review status: reviewed by expert panel (3 of 4 stars). 2 submissions from 2 submitters: Likely benign (1). 1 of the submissions does not count toward it. Last evaluated 2024-09-18.

Conditions:
Hereditary thrombocytopenia and hematological cancer predisposition syndrome associated with RUNX1. Also called: Familial Platelet Disorder with Propensity to Acute Myelogenous Leukemia; Familial thrombocytopenia with propensity to acute myelogenous leukemia; PLATELET DISORDER, ASPIRIN-LIKE; RUNX1 Familial Platelet Disorder with Associated Myeloid Malignancies. Identifiers: Orphanet 71290, MedGen C1832388, MeSH C563324, MONDO:0100083, OMIM 601399.
Hereditary thrombocytopenia and hematologic cancer predisposition syndrome. Identifiers: Orphanet 71290, MedGen CN281654, MONDO:0011071.

Submissions (2):

ClinGen Myeloid Malignancy Variant Curation Expert Panel
Classification: Likely benign for Hereditary thrombocytopenia and hematologic cancer predisposition syndrome. Last evaluated: 2024-09-18. Review status: reviewed by expert panel. Criteria: ClinGen MyeloMalig ACMG Specifications v2. Collection method: curation. Allele origin: germline. Inheritance: Autosomal dominant inheritance.
Comment: NM_001754.5(RUNX1):c.1206C>G (p.Ser402=) is a synonymous variant which has a SpliceAI score ≤ 0.20 (0.0) (BP4). This variant has a SpliceAI score ≤ 0.20 (0.0) and evolutionary conservation algorithms predict the site as being not conserved (PhyloP score ≤ 2.0 (0.0) (BP7). This variant is completely absent from all population databases with at least 20x coverage for RUNX1 (PM2_Supporting). In summary, this variant meets criteria to be classified as likely benign. ACMG/AMP criteria applied, as specified by the Myeloid Malignancy Variant Curation Expert Panel for RUNX1: BP4, BP7, PM2_supporting.

Labcorp Genetics (formerly Invitae), Labcorp
Classification: Likely benign for Hereditary thrombocytopenia and hematological cancer predisposition syndrome associated with RUNX1. Last evaluated: 2023-09-14. Review status: criteria provided, single submitter. Criteria: Invitae Variant Classification Sherloc (09022015). Collection method: clinical testing. Allele origin: germline. Not counted in ClinVar's aggregate classification.

NM_001754.5(RUNX1):c.1206C>G (p.Ser402=)

Gene: RUNX1 (RUNX family transcription factor 1; minus strand). Cytogenetic location: 21q22.12.
Variant type: single nucleotide variant.
Coding change: c.1206C>G on transcript NM_001754.5 (MANE Select); coding-DNA position 1206, C replaced by G.
Protein change: p.Ser402=; no amino-acid change (serine 402 retained).
Molecular consequence: synonymous variant.
Genome position (GRCh38, 1-based): chr21:34,792,372, G>C on the plus strand (C>G on the coding strand, the complement: RUNX1 is on the minus strand). VCF-style: chr21-34792372-G-C. GRCh37 (hg19) VCF-style: chr21-36164669-G-C.
Other names: NM_001754.5(RUNX1):c.1206C>G; p.Ser402=; c.1125C>G, p.Ser375= (NM_001001890.3).
Identifiers: ClinVar variation 2760660 (VCV002760660.4), dbSNP rs2145875443, ClinGen allele CA512341224.